The following is an entry in ClinVar:

ClinVar aggregate classification (germline): Uncertain significance (1 of 4 stars; one submission).

Conditions:
Tumor predisposition syndrome 3 (TPDS3). Also called: Glioma susceptibility 9; LONG TELOMERE SYNDROME, POT1-RELATED; POT1 Tumor Predisposition; Melanoma, cutaneous malignant, susceptibility to, 10. Identifiers: Orphanet 618, MedGen C4014476, MONDO:0014368, OMIM 615848.

Submission:

Labcorp Genetics (formerly Invitae), Labcorp
Classification: Uncertain significance for Tumor predisposition syndrome 3. Last evaluated: 2017-09-14. Review status: criteria provided, single submitter. Criteria: Invitae Variant Classification Sherloc (09022015). Collection method: clinical testing. Allele origin: germline.
Comment: This sequence change replaces glycine with arginine at codon 111 of the POT1 protein (p.Gly111Arg). The glycine residue is highly conserved and there is a moderate physicochemical difference between glycine and arginine. This variant is not present in population databases (ExAC no frequency). This variant has not been reported in the literature in individuals with POT1-related disease. Algorithms developed to predict the effect of missense changes on protein structure and function do not agree on the potential impact of this missense change (SIFT: "Deleterious"; PolyPhen-2: "Possibly Damaging"; Align-GVGD: "Class C15"). In summary, the available evidence is currently insufficient to determine the role of this variant in disease. Therefore, it has been classified as a Variant of Uncertain Significance.

NM_015450.3(POT1):c.331G>A (p.Gly111Arg)

Gene: POT1 (protection of telomeres 1; minus strand). Cytogenetic location: 7q31.33.
Variant type: single nucleotide variant.
Coding change: c.331G>A on transcript NM_015450.3 (MANE Select); coding-DNA position 331, G replaced by A.
Protein change: p.Gly111Arg; replaces glycine 111 with arginine.
Molecular consequence: missense variant. On other transcripts: 5 prime UTR variant (1), non-coding transcript variant (3).
Genome position (GRCh38, 1-based): chr7:124,863,565, C>T on the plus strand (G>A on the coding strand, the complement: POT1 is on the minus strand). VCF-style: chr7-124863565-C-T. GRCh37 (hg19) VCF-style: chr7-124503619-C-T.
Other names: c.-63G>A (NM_001042594.2); short protein forms G111R.
Identifiers: ClinVar variation 541874 (VCV000541874.9), dbSNP rs1554426987, ClinGen allele CA369060086.